The following is an entry in ClinVar:

NM_012470.4(TNPO3):c.2261G>A (p.Arg754Gln)

Gene: TNPO3 (transportin 3; minus strand). Cytogenetic location: 7q32.1.
Variant type: single nucleotide variant.
Coding change: c.2261G>A on transcript NM_012470.4 (MANE Select); coding-DNA position 2261, G replaced by A.
Protein change: p.Arg754Gln; replaces arginine 754 with glutamine.
Molecular consequence: missense variant. On other transcripts: non-coding transcript variant (18).
Genome position (GRCh38, 1-based): chr7:128,974,880, C>T on the plus strand (G>A on the coding strand, the complement: TNPO3 is on the minus strand). VCF-style: chr7-128974880-C-T. GRCh37 (hg19) VCF-style: chr7-128614934-C-T.
Other names: c.2069G>A, p.Arg690Gln (NM_001191028.3, NM_001382223.1); c.2363G>A, p.Arg788Gln (NM_001382216.1); c.2342G>A, p.Arg781Gln (NM_001382217.1); c.2261G>A, p.Arg754Gln (NM_001382218.1); c.2153G>A, p.Arg718Gln (NM_001382219.1); c.2120G>A, p.Arg707Gln (NM_001382220.1); c.2117G>A, p.Arg706Gln (NM_001382221.1); c.2114G>A, p.Arg705Gln (NM_001382222.1); short protein forms R690Q, R705Q, R706Q, R707Q, R718Q, R754Q, R781Q, R788Q.
Identifiers: ClinVar variation 3384660 (VCV003384660.1).

ClinVar aggregate classification (germline): Uncertain significance (1 of 4 stars; one submission).

gnomAD v4.1: 7 of 1,613,858 alleles (0.00043%); highest among the groups gnomAD compares: East Asian, 0.0022%; no homozygotes.

Submission:

GeneDx
Classification: Uncertain significance. Last evaluated: 2024-06-07. Review status: criteria provided, single submitter. Criteria: GeneDx Variant Classification Process June 2021. Collection method: clinical testing. Allele origin: germline. Affected: yes.
Comment: In silico analysis supports that this missense variant has a deleterious effect on protein structure/function; Has not been previously published as pathogenic or benign to our knowledge